The following is an entry in ClinVar:

NM_000455.5(STK11):c.165G>A (p.Leu55=)

Gene: STK11 (serine/threonine kinase 11; plus strand). Cytogenetic location: 19p13.3.
Variant type: single nucleotide variant.
Coding change: c.165G>A on transcript NM_000455.5 (MANE Select); coding-DNA position 165, G replaced by A.
Protein change: p.Leu55=; no amino-acid change (leucine 55 retained).
Molecular consequence: synonymous variant.
Genome position (GRCh38, 1-based): chr19:1,207,078, G>A. VCF-style: chr19-1207078-G-A. GRCh37 (hg19) VCF-style: chr19-1207077-G-A.
Identifiers: ClinVar variation 492519 (VCV000492519.4), dbSNP rs781511279, ClinGen allele CA046433.
Genomic context (GRCh38, chr19:1,207,078, plus strand): 5'-CTACCAGCCGCGCCGCAAGCGGGCCAAGCTCATCGGCAAGTACCTGATGGGGGACCTGCT[G>A]GGGGAAGGCTCTTACGGCAAGGTGAAGGAGGTGCTGGACTCGGAGACGCTGTGCAGGAGG-3'
Protein context (NP_000446.1, residues 45-65): LIGKYLMGDL[Leu55=]GEGSYGKVKE

ClinVar aggregate classification (germline): Benign/Likely benign. Review status: criteria provided, multiple submitters, no conflicts (2 of 4 stars). 2 submissions from 2 submitters: Benign (1); Likely benign (1). Last evaluated 2025-03-25.

Conditions:
Hereditary cancer-predisposing syndrome. Also called: Tumor predisposition; Neoplastic Syndromes, Hereditary; Hereditary Cancer Syndrome; Hereditary neoplastic syndrome. Identifiers: Orphanet 140162, MedGen C0027672, MeSH D009386, MONDO:0015356.
Peutz-Jeghers syndrome (PJS). Also called: POLYPOSIS, HAMARTOMATOUS INTESTINAL; POLYPS-AND-SPOTS SYNDROME; Peutz-Jeghers polyposis; Periorificial lentiginosis syndrome. Identifiers: Orphanet 2869, MedGen C0031269, MeSH D010580, MONDO:0008280, OMIM 175200.

Allele frequency attached by ClinVar (database versions not stated): gnomAD exomes below 0.00001; ExAC 0.00001.
gnomAD v4.1: 2 of 1,613,982 alleles (0.00012%); highest among the groups gnomAD compares: Middle Eastern, 0.016%; no homozygotes.

Submissions (2):

Myriad Genetics, Inc.
Classification: Benign for Peutz-Jeghers syndrome. Last evaluated: 2025-03-25. Review status: criteria provided, single submitter. Criteria: Myriad Autosomal Dominant, Autosomal Recessive and X-Linked Classification Criteria (2023). Collection method: clinical testing. Allele origin: unknown.
Comment: This variant is considered benign. This variant is a silent/synonymous amino acid change and it is not expected to impact splicing.

Color Diagnostics, LLC DBA Color Health
Classification: Likely benign for Hereditary cancer-predisposing syndrome. Last evaluated: 2017-03-08. Review status: criteria provided, single submitter. Criteria: ACMG Guidelines, 2015. Collection method: clinical testing. Allele origin: germline.